The following is an entry in ClinVar:

ClinVar aggregate classification (germline): Uncertain significance (1 of 4 stars; one submission).

Allele frequency attached by ClinVar (database versions not stated): ExAC 0.00002; gnomAD 0.00002; gnomAD exomes 0.00002 and 0.00004; TOPMed 0.00003.
gnomAD v4.1: 29 of 1,613,976 alleles (0.0018%); highest among the groups gnomAD compares: East Asian, 0.022%; no homozygotes.

Submission:

Labcorp Genetics (formerly Invitae), Labcorp
Classification: Uncertain significance. Last evaluated: 2023-12-07. Review status: criteria provided, single submitter. Criteria: Invitae Variant Classification Sherloc (09022015). Collection method: clinical testing. Allele origin: germline.
Comment: This sequence change replaces arginine, which is basic and polar, with cysteine, which is neutral and slightly polar, at codon 1659 of the MYO5B protein (p.Arg1659Cys). The frequency data for this variant in the population databases is considered unreliable, as metrics indicate poor data quality at this position in the gnomAD database. This variant has not been reported in the literature in individuals affected with MYO5B-related conditions. ClinVar contains an entry for this variant (Variation ID: 1484797). Advanced modeling of protein sequence and biophysical properties (such as structural, functional, and spatial information, amino acid conservation, physicochemical variation, residue mobility, and thermodynamic stability) performed at Invitae indicates that this missense variant is not expected to disrupt MYO5B protein function with a negative predictive value of 80%. In summary, the available evidence is currently insufficient to determine the role of this variant in disease. Therefore, it has been classified as a Variant of Uncertain Significance.

NM_001080467.3(MYO5B):c.4975C>T (p.Arg1659Cys)

Genes: MYO5B (myosin VB; minus strand), SNHG22 (small nucleolar RNA host gene 22; plus strand). Cytogenetic location: 18q21.1.
Variant type: single nucleotide variant.
Coding change: c.4975C>T on transcript NM_001080467.3 (MANE Select); coding-DNA position 4975, C replaced by T.
Protein change: p.Arg1659Cys; replaces arginine 1659 with cysteine.
Molecular consequence: missense variant.
Genome position (GRCh38, 1-based): chr18:49,837,680, G>A on the plus strand (C>T on the coding strand, the complement: MYO5B is on the minus strand). VCF-style: chr18-49837680-G-A. GRCh37 (hg19) VCF-style: chr18-47364050-G-A.
Other names: short protein forms R1659C.
Identifiers: ClinVar variation 1484797 (VCV001484797.7), dbSNP rs766861389, ClinGen allele CA8960177.